The following is an entry in ClinVar:

NM_000466.3(PEX1):c.358-1G>T

Gene: PEX1 (peroxisomal biogenesis factor 1; minus strand). Cytogenetic location: 7q21.2.
Variant type: single nucleotide variant.
Coding change: c.358-1G>T on transcript NM_000466.3 (MANE Select); the canonical splice acceptor site of the intron before coding-DNA position 358, G replaced by T.
Molecular consequence: splice acceptor variant.
Genome position (GRCh38, 1-based): chr7:92,518,256, C>A on the plus strand (G>T on the coding strand, the complement: PEX1 is on the minus strand). VCF-style: chr7-92518256-C-A. GRCh37 (hg19) VCF-style: chr7-92147570-C-A.
Other names: c.358-1G>T (NM_001282677.2); c.-267-1G>T (NM_001282678.2).
Identifiers: ClinVar variation 371714 (VCV000371714.15), dbSNP rs1057517479, ClinGen allele CA16041173.

ClinVar aggregate classification (germline): Pathogenic/Likely pathogenic. Review status: criteria provided, multiple submitters, no conflicts (2 of 4 stars). 7 submissions from 4 submitters: Pathogenic (1); Likely pathogenic (3). 3 of the submissions do not count toward it. Last evaluated 2023-11-19.

Conditions:
Peroxisome biogenesis disorder 1A (Zellweger) (PBD1A). Also called: Zellweger leukodystrophy; Peroxisome biogenesis disorder 1a. Identifiers: MedGen C4721541, MONDO:0008953, OMIM 214100.
Heimler syndrome 1 (HMLR1). Also called: PEROXISOME BIOGENESIS DISORDER 1C. Identifiers: Orphanet 3220, MedGen C4551980, OMIM 234580, MONDO:0024544.
Peroxisome biogenesis disorder 1B (PBD1B). Also called: Refsum disease, infantile form; Infantile Refsum disease; Infantile form of phytanic acid storage disease; PEROXISOME BIOGENESIS DISORDER (NEONATAL ADRENOLEUKODYSTROPHY/INFANTILE REFSUM DISEASE); INFANTILE PHYTANIC ACID STORAGE DISEASE; PEROXISOME BIOGENESIS DISORDER (NALD/IRD). Identifiers: Orphanet 44, MedGen C0282527, MONDO:0011101, OMIM 601539.
Zellweger spectrum disorders (ZS). Also called: Zellweger Spectrum Disorder (ZSD); Zellweger Spectrum Disorder; Zellweger Spectrum; Zellweger syndrome. Identifiers: Orphanet 912, MedGen C0043459, MONDO:0019609.

gnomAD v4.1: 1 of 1,559,540 alleles (0.000064%); no homozygotes.

Submissions (7):

Baylor Genetics
Classification: Likely pathogenic for Heimler syndrome 1. Last evaluated: 2023-11-19. Review status: criteria provided, single submitter. Criteria: ACMG Guidelines, 2015. Collection method: clinical testing. Allele origin: unknown.

Labcorp Genetics (formerly Invitae), Labcorp
Classification: Likely pathogenic for Zellweger spectrum disorders. Last evaluated: 2023-09-21. Review status: criteria provided, single submitter. Criteria: Invitae Variant Classification Sherloc (09022015). Collection method: clinical testing. Allele origin: germline.
Comment: In summary, the currently available evidence indicates that the variant is pathogenic, but additional data are needed to prove that conclusively. Therefore, this variant has been classified as Likely Pathogenic. This sequence change affects an acceptor splice site in intron 3 of the PEX1 gene. It is expected to disrupt RNA splicing. Variants that disrupt the donor or acceptor splice site typically lead to a loss of protein function (PMID: 16199547), and loss-of-function variants in PEX1 are known to be pathogenic (PMID: 21031596, 26387595, 31831025). This variant is not present in population databases (gnomAD no frequency). This variant has not been reported in the literature in individuals affected with PEX1-related conditions. ClinVar contains an entry for this variant (Variation ID: 371714). Algorithms developed to predict the effect of sequence changes on RNA splicing suggest that this variant may disrupt the consensus splice site.

Fulgent Genetics
Classification: Likely pathogenic for Peroxisome biogenesis disorder 1A (Zellweger); Heimler syndrome 1; Peroxisome biogenesis disorder 1B. Last evaluated: 2021-08-12. Review status: criteria provided, single submitter. Criteria: ACMG Guidelines, 2015. Collection method: clinical testing. Allele origin: unknown.

Baylor Genetics
Classification: Pathogenic for Peroxisome biogenesis disorder 1A (Zellweger); Peroxisome biogenesis disorder 1B. Review status: criteria provided, single submitter. Criteria: ACMG Guidelines, 2015. Collection method: clinical testing. Allele origin: germline.

Counsyl
Classification: Likely pathogenic for Peroxisome biogenesis disorder 1A (Zellweger). Last evaluated: 2016-02-29. Review status: no assertion criteria provided. Collection method: clinical testing. Allele origin: unknown. Not counted in ClinVar's aggregate classification.

Counsyl
Classification: Likely pathogenic for Peroxisome biogenesis disorder 1B. Last evaluated: 2016-02-29. Review status: no assertion criteria provided. Collection method: clinical testing. Allele origin: unknown. Not counted in ClinVar's aggregate classification.

Baylor Genetics
Classification: Likely pathogenic for Peroxisome biogenesis disorder 1A (Zellweger). Review status: no assertion criteria provided. Collection method: clinical testing. Allele origin: unknown. Not counted in ClinVar's aggregate classification.

Literature cited by the submitters: PubMed 16199547 (cited by Labcorp Genetics (formerly Invitae), Labcorp); PubMed 21031596 (cited by Labcorp Genetics (formerly Invitae), Labcorp); PubMed 26387595 (cited by Labcorp Genetics (formerly Invitae), Labcorp); PubMed 31831025 (cited by Labcorp Genetics (formerly Invitae), Labcorp).